The following is an entry in ClinVar:

ClinVar aggregate classification (germline): Likely benign. Review status: criteria provided, multiple submitters, no conflicts (2 of 4 stars). 2 submissions from 2 submitters: Likely benign (2). Last evaluated 2026-01-26.

Allele frequency attached by ClinVar (database versions not stated): gnomAD 0.00001; gnomAD exomes 0.00001; TOPMed 0.00001.
gnomAD v4.1: 11 of 1,611,484 alleles (0.00068%); highest among the groups gnomAD compares: Non-Finnish European, 0.00093%; no homozygotes.

Submissions (2):

Labcorp Genetics (formerly Invitae), Labcorp
Classification: Likely benign. Last evaluated: 2026-01-26. Review status: criteria provided, single submitter. Criteria: Invitae Variant Classification Sherloc (09022015). Collection method: clinical testing. Allele origin: germline.

GeneDx
Classification: Likely benign. Last evaluated: 2017-03-14. Review status: criteria provided, single submitter. Criteria: GeneDx Variant Classification (06012015). Collection method: clinical testing. Allele origin: germline. Affected: yes.
Comment: This variant is considered likely benign or benign based on one or more of the following criteria: it is a conservative change, it occurs at a poorly conserved position in the protein, it is predicted to be benign by multiple in silico algorithms, and/or has population frequency not consistent with disease.

NM_001042545.2(LTBP4):c.1599C>T (p.Pro533=)

Gene: LTBP4 (latent transforming growth factor beta binding protein 4; plus strand). Cytogenetic location: 19q13.2.
Variant type: single nucleotide variant.
Coding change: c.1599C>T on transcript NM_001042545.2 (MANE Select); coding-DNA position 1599, C replaced by T.
Protein change: p.Pro533=; no amino-acid change (proline 533 retained).
Molecular consequence: synonymous variant.
Genome position (GRCh38, 1-based): chr19:40,609,786, C>T. VCF-style: chr19-40609786-C-T. GRCh37 (hg19) VCF-style: chr19-41115692-C-T.
Other names: c.1800C>T, p.Pro600= (NM_001042544.1); c.1689C>T, p.Pro563= (NM_003573.2).
Identifiers: ClinVar variation 508032 (VCV000508032.5), dbSNP rs767751664, ClinGen allele CA507501862.